The following is an entry in ClinVar:

NC_000001.10:g.(?_216497583)_(216503303_?)del

Gene: USH2A (usherin; minus strand). Cytogenetic location: 1q41.
Variant type: Deletion.
Identifiers: ClinVar variation 1460341 (VCV001460341.5).

ClinVar aggregate classification (germline): Pathogenic (1 of 4 stars; one submission).

Submission:

Labcorp Genetics (formerly Invitae), Labcorp
Classification: Pathogenic. Last evaluated: 2022-09-06. Review status: criteria provided, single submitter. Criteria: Invitae Variant Classification Sherloc (09022015). Collection method: clinical testing. Allele origin: germline.
Comment: For these reasons, this variant has been classified as Pathogenic. This variant disrupts the p.Asn346 amino acid residue in USH2A. Other variant(s) that disrupt this residue have been determined to be pathogenic (PMID: 19129697, 24160897, 25521520, 26969326, 28559085, 29343940). This suggests that this residue is clinically significant, and that variants that disrupt this residue are likely to be disease-causing. This variant has not been reported in the literature in individuals affected with USH2A-related conditions. This variant results in the deletion of exons 5-6 and part of exon 7 (c.785-2307_1255del) of the USH2A gene. It is expected to disrupt RNA splicing. Variants that disrupt the donor or acceptor splice site typically lead to a loss of protein function (PMID: 16199547), and loss-of-function variants in USH2A are known to be pathogenic (PMID: 10729113, 10909849, 20507924, 25649381).

Literature cited by the submitters: PubMed 19129697; PubMed 24160897; PubMed 25521520; PubMed 26969326; PubMed 28559085; PubMed 29343940; PubMed 16199547; PubMed 10729113; PubMed 10909849; PubMed 20507924; PubMed 25649381.